The following is an entry in ClinVar:

ClinVar aggregate classification (germline): Likely benign. Review status: criteria provided, multiple submitters, no conflicts (2 of 4 stars). 13 submissions from 7 submitters: Likely benign (13). Last evaluated 2025-04-26.

Conditions:
Stiff skin syndrome (SSKS). Identifiers: Orphanet 2833, MedGen C1861456, MONDO:0008492, OMIM 184900.
Weill-Marchesani syndrome. Also called: WM Syndrome; Mesodermal dysmorphodystrophy congenital. Identifiers: Orphanet 3449, MedGen C0265313, MONDO:0018096.
Marfan syndrome (MFS). Also called: Marfan syndrome type 1; Marfan's syndrome; MARFAN SYNDROME, TYPE I; Marfan syndrome, classic; FBN1-Related Marfan Syndrome. Identifiers: Orphanet 284963, Orphanet 558, MedGen C0024796, MONDO:0007947, OMIM 154700.
Familial thoracic aortic aneurysm and aortic dissection (TAAD). Also called: Thoracic aortic aneurysms and dissections. Identifiers: Orphanet 91387, MedGen C4707243, MONDO:0019625.
Acromicric dysplasia (ACMICD). Also called: Acromicric skeletal dysplasia. Identifiers: Orphanet 969, MedGen C0265287, MONDO:0007055, OMIM 102370.
Geleophysic dysplasia. Identifiers: Orphanet 2623, MedGen C3489726, MONDO:0000127.
Ectopia lentis 1, isolated, autosomal dominant (ECTOL1). Identifiers: Orphanet 1885, MedGen C3541518, MONDO:0007514, OMIM 129600.

Allele frequency attached by ClinVar (database versions not stated): TOPMed 0.00004; gnomAD 0.00001; gnomAD exomes 0.00001 and 0.00002; 1000 Genomes Project 0.00020; ExAC 0.00001; 1000 Genomes Project 30x 0.00016.

Submissions (13):

Labcorp Genetics (formerly Invitae), Labcorp
Classification: Likely benign for Marfan syndrome; Familial thoracic aortic aneurysm and aortic dissection. Last evaluated: 2025-04-26. Review status: criteria provided, single submitter. Criteria: Invitae Variant Classification Sherloc (09022015). Collection method: clinical testing. Allele origin: germline.

All of Us Research Program, National Institutes of Health
Classification: Likely benign for Marfan syndrome. Last evaluated: 2023-11-02. Review status: criteria provided, single submitter. Criteria: ACMG Guidelines, 2015. Collection method: clinical testing. Allele origin: germline. Inheritance: Autosomal dominant inheritance. Observed: 4 variant alleles, 4 heterozygotes.
Comment: This study involves interpretation of variants in research participants for the purpose of population health screening. Participant phenotype was not available at the time of variant classification. Additional details can be found in publication PMID: 35346344, PMCID: PMC8962531

Women's Health and Genetics/Laboratory Corporation of America, LabCorp
Classification: Likely benign. Last evaluated: 2023-08-10. Review status: criteria provided, single submitter. Criteria: LabCorp Variant Classification Summary - May 2015. Collection method: clinical testing. Allele origin: germline.

Ambry Genetics
Classification: Likely benign for Familial thoracic aortic aneurysm and aortic dissection. Last evaluated: 2023-06-30. Review status: criteria provided, single submitter. Criteria: Ambry Variant Classification Scheme 2023. Collection method: clinical testing. Allele origin: germline.

GeneDx
Classification: Likely benign. Last evaluated: 2020-09-22. Review status: criteria provided, single submitter. Criteria: GeneDx Variant Classification Process June 2021. Collection method: clinical testing. Allele origin: germline. Affected: yes.

Color Diagnostics, LLC DBA Color Health
Classification: Likely benign for Familial thoracic aortic aneurysm and aortic dissection. Last evaluated: 2019-03-07. Review status: criteria provided, single submitter. Criteria: ACMG Guidelines, 2015. Collection method: clinical testing. Allele origin: germline.

Illumina Laboratory Services, Illumina
Classification: Likely benign for Marfan syndrome. Last evaluated: 2017-04-28. Review status: criteria provided, single submitter. Criteria: ICSL Variant Classification Criteria 13 December 2019. Collection method: clinical testing. Allele origin: germline.
Comment: This variant was observed as part of a predisposition screen in an ostensibly healthy population. A literature search was performed for the gene, cDNA change, and amino acid change (where applicable). No publications were found based on this search. Allele frequency data from public databases allowed determination this variant is unlikely to cause disease. Therefore, this variant is classified as likely benign.

Illumina Laboratory Services, Illumina
Classification: Likely benign for Stiff skin syndrome. Last evaluated: 2017-04-28. Review status: criteria provided, single submitter. Criteria: ICSL Variant Classification Criteria 13 December 2019. Collection method: clinical testing. Allele origin: germline.
Comment: the same text as in the submission from Illumina Laboratory Services, Illumina above.

Illumina Laboratory Services, Illumina
Classification: Likely benign for Acromicric dysplasia. Last evaluated: 2017-04-28. Review status: criteria provided, single submitter. Criteria: ICSL Variant Classification Criteria 13 December 2019. Collection method: clinical testing. Allele origin: germline.
Comment: the same text as in the submission from Illumina Laboratory Services, Illumina above.

Illumina Laboratory Services, Illumina
Classification: Likely benign for Weill-Marchesani syndrome. Last evaluated: 2017-04-28. Review status: criteria provided, single submitter. Criteria: ICSL Variant Classification Criteria 13 December 2019. Collection method: clinical testing. Allele origin: germline.
Comment: the same text as in the submission from Illumina Laboratory Services, Illumina above.

Illumina Laboratory Services, Illumina
Classification: Likely benign for Ectopia lentis 1, isolated, autosomal dominant. Last evaluated: 2017-04-28. Review status: criteria provided, single submitter. Criteria: ICSL Variant Classification Criteria 13 December 2019. Collection method: clinical testing. Allele origin: germline.
Comment: the same text as in the submission from Illumina Laboratory Services, Illumina above.

Illumina Laboratory Services, Illumina
Classification: Likely benign for Familial thoracic aortic aneurysm and aortic dissection. Last evaluated: 2017-04-28. Review status: criteria provided, single submitter. Criteria: ICSL Variant Classification Criteria 13 December 2019. Collection method: clinical testing. Allele origin: germline.
Comment: the same text as in the submission from Illumina Laboratory Services, Illumina above.

Illumina Laboratory Services, Illumina
Classification: Likely benign for Geleophysic dysplasia. Last evaluated: 2017-04-28. Review status: criteria provided, single submitter. Criteria: ICSL Variant Classification Criteria 13 December 2019. Collection method: clinical testing. Allele origin: germline.
Comment: the same text as in the submission from Illumina Laboratory Services, Illumina above.

NM_000138.5(FBN1):c.3570C>T (p.Pro1190=)

Gene: FBN1 (fibrillin 1; minus strand). Cytogenetic location: 15q21.1.
Variant type: single nucleotide variant.
Coding change: c.3570C>T on transcript NM_000138.5 (MANE Select); coding-DNA position 3570, C replaced by T.
Protein change: p.Pro1190=; no amino-acid change (proline 1190 retained).
Molecular consequence: synonymous variant.
Genome position (GRCh38, 1-based): chr15:48,487,094, G>A on the plus strand (C>T on the coding strand, the complement: FBN1 is on the minus strand). VCF-style: chr15-48487094-G-A. GRCh37 (hg19) VCF-style: chr15-48779291-G-A.
Identifiers: ClinVar variation 316377 (VCV000316377.19), dbSNP rs188317014, ClinGen allele CA051087.